The following is an entry in ClinVar:

ClinVar aggregate classification (germline): Pathogenic (1 of 4 stars; one submission).

Conditions:
Hereditary cancer-predisposing syndrome. Also called: Tumor predisposition; Neoplastic Syndromes, Hereditary; Hereditary neoplastic syndrome; Hereditary Cancer Syndrome. Identifiers: Orphanet 140162, MedGen C0027672, MeSH D009386, MONDO:0015356.

Submission:

Ambry Genetics
Classification: Pathogenic for Hereditary cancer-predisposing syndrome. Last evaluated: 2024-10-12. Review status: criteria provided, single submitter. Criteria: Ambry Variant Classification Scheme 2023. Collection method: clinical testing. Allele origin: germline.
Comment: The c.2877delA pathogenic mutation, located in coding exon 20 of the TSC1 gene, results from a deletion of one nucleotide at nucleotide position 2877, causing a translational frameshift with a predicted alternate stop codon (p.E959Dfs*5). This variant is considered to be rare based on population cohorts in the Genome Aggregation Database (gnomAD). This alteration is expected to result in loss of function by premature protein truncation or nonsense-mediated mRNA decay. As such, this alteration is interpreted as a disease-causing mutation.

NM_000368.5(TSC1):c.2877del (p.Glu959fs)

Gene: TSC1 (TSC complex subunit 1; minus strand). Cytogenetic location: 9q34.13.
Variant type: Deletion.
Coding change: c.2877del on transcript NM_000368.5 (MANE Select); coding-DNA position 2877, one base deleted (A; older notation c.2877delA).
Protein change: p.Glu959fs; shifts the reading frame from glutamic acid 959.
Molecular consequence: frameshift variant. On other transcripts: non-coding transcript variant (5).
Genome position (GRCh38, 1-based): chr9:132,897,282, T deleted on the plus strand (A on the coding strand, the reverse complement: TSC1 is on the minus strand); the first of 2 consecutive T bases (chr9:132,897,282-132,897,283); deleting either gives the same sequence. VCF-style (leftmost placement, unchanged base first): chr9-132897281-AT-A. GRCh37 (hg19) VCF-style: chr9-135772668-AT-A.
Other names: c.2514del, p.Glu838fs (NM_001406615.1, NM_001406616.1, NM_001406617.1 and 4 more transcripts); c.2511del, p.Glu837fs (NM_001406620.1, NM_001406621.1, NM_001406622.1 and 1 more transcripts); c.2472del, p.Glu824fs (NM_001406624.1); c.2469del, p.Glu823fs (NM_001406625.1); c.1926del, p.Glu642fs (NM_001406626.1); c.1923del, p.Glu641fs (NM_001406627.1, NM_001406628.1); c.1824del, p.Glu608fs (NM_001406629.1, NM_001406630.1); c.2874del, p.Glu958fs (NM_001162426.2, NM_001406597.1, NM_001406598.1 and 2 more transcripts); and 9 more; short protein forms E608fs, E893fs, E944fs, E945fs, E958fs, E837fs, E907fs, E641fs.
Identifiers: ClinVar variation 3462481 (VCV003462481.1).
Genomic context (GRCh38, chr9:132,897,281, plus strand): 5'-CTTCAAGTTTTTTCAGGAGGCCATCTTTCTCCAACCTGCCATATAAATCTAAGATCTCCA[AT>A]TCAAACACCTGGGTTATCCTTTTCTGAGCCTCATACCTGCTCTCTGCGGCCTGCAGCTGT-3'